The following is an entry in ClinVar:

ClinVar aggregate classification (germline): Pathogenic. Review status: criteria provided, multiple submitters, no conflicts (2 of 4 stars). 2 submissions from 2 submitters: Pathogenic (2). Last evaluated 2025-10-15.

Conditions:
PGM1-congenital disorder of glycosylation. Also called: PGM1 DEFICIENCY; GLYCOGEN STORAGE DISEASE XIV; GSD XIV; CDG It; Congenital disorder of glycosylation type 1t; PHOSPHOGLUCOMUTASE 1 DEFICIENCY. Identifiers: Orphanet 319646, MedGen C2752015, MONDO:0013968, OMIM 614921.

Allele frequency attached by ClinVar (database versions not stated): ExAC 0.00001; gnomAD exomes 0.00001.

Submissions (2):

Labcorp Genetics (formerly Invitae), Labcorp
Classification: Pathogenic for PGM1-congenital disorder of glycosylation. Last evaluated: 2025-10-15. Review status: criteria provided, single submitter. Criteria: Invitae Variant Classification Sherloc (09022015). Collection method: clinical testing. Allele origin: germline.
Comment: This sequence change creates a premature translational stop signal (p.Phe29Leufs*73) in the PGM1 gene. It is expected to result in an absent or disrupted protein product. Loss-of-function variants in PGM1 are known to be pathogenic (PMID: 22492991). This variant is present in population databases (rs752562811, gnomAD 0.002%). This variant has not been reported in the literature in individuals affected with PGM1-related conditions. ClinVar contains an entry for this variant (Variation ID: 2581183). For these reasons, this variant has been classified as Pathogenic.

Women's Health and Genetics/Laboratory Corporation of America, LabCorp
Classification: Pathogenic for PGM1-congenital disorder of glycosylation. Last evaluated: 2023-08-17. Review status: criteria provided, single submitter. Criteria: LabCorp Variant Classification Summary - May 2015. Collection method: clinical testing. Allele origin: germline.
Comment: Variant summary: PGM1 c.87_94delCCAGAGCA (p.Phe29LeufsX73) results in a premature termination codon, predicted to cause a truncation of the encoded protein or absence of the protein due to nonsense mediated decay, which are commonly known mechanisms for disease. Variants downstream of this position have been classified as pathogenic in ClinVar. The variant allele was found at a frequency of 8e-06 in 249576 control chromosomes (gnomAD). To our knowledge, no occurrence of c.87_94delCCAGAGCA in individuals affected with PGM1-Congenital Disorder Of Glycosylation and no experimental evidence demonstrating its impact on protein function have been reported. No submitters have cited clinical-significance assessments for this variant to ClinVar after 2014. Based on the evidence outlined above, the variant was classified as pathogenic.

Literature cited by the submitters: PubMed 22492991 (cited by Labcorp Genetics (formerly Invitae), Labcorp).

NM_002633.3(PGM1):c.87_94del (p.Phe29fs)

Genes: PGM1 (phosphoglucomutase 1; plus strand), LOC129930668 (ATAC-STARR-seq lymphoblastoid active region 1127; plus strand). Cytogenetic location: 1p31.3.
Variant type: Deletion.
Coding change: c.87_94del on transcript NM_002633.3 (MANE Select); coding-DNA positions 87 to 94, 8 bases deleted (CCAGAGCA; older notation c.87_94delCCAGAGCA).
Protein change: p.Phe29fs; shifts the reading frame from phenylalanine 29.
Molecular consequence: frameshift variant.
Genome position (GRCh38, 1-based): chr1:63,593,575-63,593,582, CCAGAGCA deleted. VCF-style (leftmost placement, unchanged base first): chr1-63593574-TCCAGAGCA-T. GRCh37 (hg19) VCF-style: chr1-64059245-TCCAGAGCA-T.
Other names: short protein forms F29fs.
Identifiers: ClinVar variation 2581183 (VCV002581183.2), dbSNP rs752562811, ClinGen allele CA889352.